The following is an entry in ClinVar:

NM_001165963.4(SCN1A):c.3591A>G (p.Glu1197=)

Genes: SCN1A (sodium voltage-gated channel alpha subunit 1; minus strand), LOC102724058 (uncharacterized LOC102724058; plus strand). Cytogenetic location: 2q24.3.
Variant type: single nucleotide variant.
Coding change: c.3591A>G on transcript NM_001165963.4 (MANE Select); coding-DNA position 3591, A replaced by G.
Protein change: p.Glu1197=; no amino-acid change (glutamic acid 1197 retained).
Molecular consequence: synonymous variant. On other transcripts: non-coding transcript variant (1).
Genome position (GRCh38, 1-based): chr2:166,013,858, T>C on the plus strand (A>G on the coding strand, the complement: SCN1A is on the minus strand). VCF-style: chr2-166013858-T-C. GRCh37 (hg19) VCF-style: chr2-166870368-T-C.
Other names: c.3507A>G, p.Glu1169= (NM_001165964.3, NM_001353957.2, NM_001353958.2); c.3591A>G, p.Glu1197= (NM_001202435.3, NM_001353948.2); c.3558A>G, p.Glu1186= (NM_001353949.2, NM_001353950.2, NM_001353951.2 and 2 more transcripts); c.3555A>G, p.Glu1185= (NM_001353954.2, NM_001353955.2); c.3504A>G, p.Glu1168= (NM_001353960.2); c.1149A>G, p.Glu383= (NM_001353961.2).
Identifiers: ClinVar variation 499962 (VCV000499962.16), dbSNP rs371596040, ClinGen allele CA1942913.

ClinVar aggregate classification (germline): Conflicting classifications of pathogenicity. Review status: criteria provided, conflicting classifications (1 of 4 stars). 3 submissions from 3 submitters: Uncertain significance (1); Likely benign (2). Last evaluated 2025-05-17.

Conditions:
Early-infantile DEE. Also called: Early infantile epileptic encephalopathy with suppression bursts; Ohtahara syndrome; Early infantile epileptic encephalopathy. Identifiers: Orphanet 1934, MedGen C0393706, MONDO:0800491.

Allele frequency attached by ClinVar (database versions not stated): gnomAD exomes 0.00002 and 0.00004; ExAC 0.00004; ESP Exome Variant Server 0.00008; TOPMed 0.00010; gnomAD 0.00013 and 0.00014; 1000 Genomes Project 0.00040; 1000 Genomes Project 30x 0.00062.
gnomAD v4.1: 32 of 1,612,356 alleles (0.002%); highest among the groups gnomAD compares: African/African-American, 0.036%; no homozygotes.

Submissions (3):

Labcorp Genetics (formerly Invitae), Labcorp
Classification: Likely benign for Early-infantile DEE. Last evaluated: 2025-05-17. Review status: criteria provided, single submitter. Criteria: Invitae Variant Classification Sherloc (09022015). Collection method: clinical testing. Allele origin: germline.

GeneDx
Classification: Likely benign. Last evaluated: 2017-09-22. Review status: criteria provided, single submitter. Criteria: GeneDx Variant Classification (06012015). Collection method: clinical testing. Allele origin: germline. Affected: yes.
Comment: This variant is considered likely benign or benign based on one or more of the following criteria: it is a conservative change, it occurs at a poorly conserved position in the protein, it is predicted to be benign by multiple in silico algorithms, and/or has population frequency not consistent with disease.

Eurofins Ntd Llc (ga)
Classification: Uncertain significance. Last evaluated: 2017-01-16. Review status: criteria provided, single submitter. Criteria: EGL Classification Definitions 2015. Collection method: clinical testing. Allele origin: germline. Observed: 1 variant allele, 1 heterozygote.